The following is an entry in ClinVar:

ClinVar aggregate classification (germline): Uncertain significance (1 of 4 stars; one submission).

Submission:

GeneDx
Classification: Uncertain significance. Last evaluated: 2022-04-12. Review status: criteria provided, single submitter. Criteria: GeneDx Variant Classification Process June 2021. Collection method: clinical testing. Allele origin: germline. Affected: yes.
Comment: Not observed at significant frequency in large population cohorts (gnomAD); In silico analysis supports that this missense variant does not alter protein structure/function; Has not been previously published as pathogenic or benign to our knowledge

NM_005097.4(LGI1):c.1516G>A (p.Ala506Thr)

Gene: LGI1 (leucine rich glioma inactivated 1; plus strand). Cytogenetic location: 10q23.33.
Variant type: single nucleotide variant.
Coding change: c.1516G>A on transcript NM_005097.4 (MANE Select); coding-DNA position 1516, G replaced by A.
Protein change: p.Ala506Thr; replaces alanine 506 with threonine.
Molecular consequence: missense variant. On other transcripts: non-coding transcript variant (1), intron variant (1).
Genome position (GRCh38, 1-based): chr10:93,797,645, G>A. VCF-style: chr10-93797645-G-A. GRCh37 (hg19) VCF-style: chr10-95557402-G-A.
Other names: c.1372G>A, p.Ala458Thr (NM_001308276.2); c.839-104G>A (NM_001308275.2); short protein forms A458T, A506T.
Identifiers: ClinVar variation 1712729 (VCV001712729.2), dbSNP rs780353184, ClinGen allele CA377629897.
Genomic context (GRCh38, chr10:93,797,645, plus strand): 5'-AATTACCAATATGCAATTCTTGGAAGTGATTACTCCTTTACTCAAGTGTATAACTGGGAT[G>A]CAGAGAAAGCCAAATTTGTGAAATTTCAGGAATTAAATGTTCAGGCACCAAGATCATTCA-3'
Protein context (NP_005088.1, residues 496-516): YSFTQVYNWD[Ala506Thr]EKAKFVKFQE